The following is an entry in ClinVar:

NC_000001.10:g.(55341721_55349290)_(55352869_?)dup

Gene: DHCR24 (24-dehydrocholesterol reductase; minus strand). Cytogenetic location: 1p32.3.
Variant type: Duplication.
Identifiers: ClinVar variation 3335987 (VCV003335987.1).

ClinVar aggregate classification (germline): Uncertain significance (1 of 4 stars; one submission).

Submission:

Women's Health and Genetics/Laboratory Corporation of America, LabCorp
Classification: Uncertain significance. Last evaluated: 2024-05-13. Review status: criteria provided, single submitter. Criteria: LabCorp Variant Classification Summary - May 2015. Collection method: clinical testing. Allele origin: germline.
Comment: Variant summary: The variant involves the duplication of exons 1-2 in the DHCR24 gene. A presumed nomenclature of c.(?_-77)_(387+1_388-1)dup has been designated for the purposes of this classification. The exact breakpoint at the 5' end of this variant is unknown, therefore this duplication may extend upstream of the annotated region of this gene. It is predicted to duplicate a segment including the initiation codon, therefore its impact on the encoded protein is unknown. The variant allele was found at a frequency of 4.6e-05 in 21694 control chromosomes (gnomAD SVs v2). The available data on variant occurrences in the general population are insufficient to allow any conclusion about variant significance. To our knowledge, no occurrence of c.(?_-77)_(387+1_388-1)dup in individuals affected with Desmosterolosis and no experimental evidence demonstrating its impact on protein function have been reported. ClinVar contains an entry for this variant (Variation ID: 1439714). Based on the evidence outlined above, the variant was classified as uncertain significance.